The following is an entry in ClinVar:

ClinVar aggregate classification (germline): Conflicting classifications of pathogenicity. Review status: criteria provided, conflicting classifications (1 of 4 stars). 3 submissions from 3 submitters: Uncertain significance (1); Benign (1). 1 of the submissions does not count toward it. Last evaluated 2024-10-30.

Conditions:
ST14-related disorder. Also called: ST14-related condition.

Allele frequency attached by ClinVar (database versions not stated): gnomAD 0.00025 and 0.00031; TOPMed 0.00049; 1000 Genomes Project 0.00140; 1000 Genomes Project 30x 0.00187.
gnomAD v4.1: 321 of 1,613,880 alleles (0.02%); highest among the groups gnomAD compares: East Asian, 0.5%; 1 homozygote.

Submissions (3):

GeneDx
Classification: Uncertain significance. Last evaluated: 2024-10-30. Review status: criteria provided, single submitter. Criteria: GeneDx Variant Classification Process June 2021. Collection method: clinical testing. Allele origin: germline. Affected: yes.
Comment: In silico analysis indicates that this missense variant does not alter protein structure/function; Has not been previously published as pathogenic or benign to our knowledge

Labcorp Genetics (formerly Invitae), Labcorp
Classification: Benign. Last evaluated: 2018-12-31. Review status: criteria provided, single submitter. Criteria: Invitae Variant Classification Sherloc (09022015). Collection method: clinical testing. Allele origin: germline.

PreventionGenetics, part of Exact Sciences
Classification: Benign for ST14-related condition. Last evaluated: 2020-08-13. Review status: no assertion criteria provided. Collection method: clinical testing. Allele origin: germline. Not counted in ClinVar's aggregate classification.
Comment: This variant is classified as benign based on ACMG/AMP sequence variant interpretation guidelines (Richards et al. 2015 PMID: 25741868, with internal and published modifications).

NM_021978.4(ST14):c.550C>T (p.Arg184Trp)

Gene: ST14 (ST14 transmembrane serine protease matriptase; plus strand). Cytogenetic location: 11q24.3.
Variant type: single nucleotide variant.
Coding change: c.550C>T on transcript NM_021978.4 (MANE Select); coding-DNA position 550, C replaced by T.
Protein change: p.Arg184Trp; replaces arginine 184 with tryptophan.
Molecular consequence: missense variant.
Genome position (GRCh38, 1-based): chr11:130,189,848, C>T. VCF-style: chr11-130189848-C-T. GRCh37 (hg19) VCF-style: chr11-130059743-C-T.
Other names: short protein forms R184W.
Identifiers: ClinVar variation 740329 (VCV000740329.6), dbSNP rs191404689, ClinGen allele CA6363632.